The following is an entry in ClinVar:

NM_004947.5(DOCK3):c.4007T>C (p.Met1336Thr)

Gene: DOCK3 (dedicator of cytokinesis 3; plus strand). Cytogenetic location: 3p21.2.
Variant type: single nucleotide variant.
Coding change: c.4007T>C on transcript NM_004947.5 (MANE Select); coding-DNA position 4007, T replaced by C.
Protein change: p.Met1336Thr; replaces methionine 1336 with threonine.
Molecular consequence: missense variant.
Genome position (GRCh38, 1-based): chr3:51,350,292, T>C. VCF-style: chr3-51350292-T-C. GRCh37 (hg19) VCF-style: chr3-51387723-T-C.
Other names: short protein forms M1336T.
Identifiers: ClinVar variation 2246625 (VCV002246625.3), dbSNP rs756526217, ClinGen allele CA2421638.

ClinVar aggregate classification (germline): Uncertain significance. Review status: criteria provided, multiple submitters, no conflicts (2 of 4 stars). 2 submissions from 2 submitters: Uncertain significance (2). Last evaluated 2024-12-04.

Conditions:
Inborn genetic diseases. Identifiers: MedGen C0950123, MeSH D030342.

Allele frequency attached by ClinVar (database versions not stated): TOPMed 0.00001; ExAC 0.00001; gnomAD exomes 0.00001.

Submissions (2):

GeneDx
Classification: Uncertain significance. Last evaluated: 2024-12-04. Review status: criteria provided, single submitter. Criteria: GeneDx Variant Classification Process June 2021. Collection method: clinical testing. Allele origin: germline. Affected: yes.
Comment: In silico analysis indicates that this missense variant does not alter protein structure/function; Has not been previously published as pathogenic or benign to our knowledge; Variants in candidate genes are classified as variants of uncertain significance in accordance with ACMG guidelines (PMID: 25741868)

Ambry Genetics
Classification: Uncertain significance for Inborn genetic diseases. Last evaluated: 2021-08-23. Review status: criteria provided, single submitter. Criteria: Ambry Variant Classification Scheme 2023. Collection method: clinical testing. Allele origin: germline.